The following is an entry in ClinVar:

NM_005045.4(RELN):c.7070T>C (p.Ile2357Thr)

Gene: RELN (reelin; minus strand). Cytogenetic location: 7q22.1.
Variant type: single nucleotide variant.
Coding change: c.7070T>C on transcript NM_005045.4 (MANE Select); coding-DNA position 7070, T replaced by C.
Protein change: p.Ile2357Thr; replaces isoleucine 2357 with threonine.
Molecular consequence: missense variant.
Genome position (GRCh38, 1-based): chr7:103,539,188, A>G on the plus strand (T>C on the coding strand, the complement: RELN is on the minus strand). VCF-style: chr7-103539188-A-G. GRCh37 (hg19) VCF-style: chr7-103179635-A-G.
Other names: c.7070T>C, p.Ile2357Thr (NM_173054.3); short protein forms I2357T.
Identifiers: ClinVar variation 1696960 (VCV001696960.4), dbSNP rs770986138, ClinGen allele CA4420815.
Genomic context (GRCh38, chr7:103,539,188, plus strand): 5'-AAGGAATCCTCATTCACGGCAACGTCTGTGCTGACCACGTAACGGGTGCTGGCCTTTTCA[A>G]TGAAGACCAGGGCATCACCAGTAGAGCCACACACGGGCATCTTGGTGCCTCCTGGGTGAA-3'
Protein context (NP_005036.2, residues 2347-2367): CGSTGDALVF[Ile2357Thr]EKASTRYVVS

ClinVar aggregate classification (germline): Conflicting classifications of pathogenicity. Review status: criteria provided, conflicting classifications (1 of 4 stars). 2 submissions from 2 submitters: Uncertain significance (1); Likely benign (1). Last evaluated 2024-08-11.

Conditions:
Familial temporal lobe epilepsy 7. Identifiers: Orphanet 101046, MedGen C4225327, MONDO:0014639, OMIM 616436.
Norman-Roberts syndrome (LIS2). Also called: Lissencephaly 2 (Norman-Roberts type). Identifiers: Orphanet 89844, MedGen C0796089, MONDO:0009760, OMIM 257320.

Allele frequency attached by ClinVar (database versions not stated): gnomAD exomes below 0.00001 and 0.00001; TOPMed below 0.00001; ExAC 0.00001; gnomAD 0.00001.
gnomAD v4.1: 7 of 1,614,128 alleles (0.00043%); highest among the groups gnomAD compares: African/African-American, 0.0027%; no homozygotes.

Submissions (2):

Labcorp Genetics (formerly Invitae), Labcorp
Classification: Likely benign for Familial temporal lobe epilepsy 7; Norman-Roberts syndrome. Last evaluated: 2024-08-11. Review status: criteria provided, single submitter. Criteria: Invitae Variant Classification Sherloc (09022015). Collection method: clinical testing. Allele origin: germline.

GeneDx
Classification: Uncertain significance. Last evaluated: 2022-01-12. Review status: criteria provided, single submitter. Criteria: GeneDx Variant Classification Process June 2021. Collection method: clinical testing. Allele origin: germline. Affected: yes.
Comment: Not observed at significant frequency in large population cohorts (gnomAD); In silico analysis supports that this missense variant does not alter protein structure/function; Has not been previously published as pathogenic or benign to our knowledge